The following continues an entry in ClinVar:

NM_007194.4(CHEK2):c.1037G>A (p.Arg346His)

Gene: CHEK2. ClinVar aggregate classification (germline): Conflicting classifications of pathogenicity. Likely pathogenic (4); Uncertain significance (9).

Submissions 7 to 14 of 14:

St. Jude Molecular Pathology, St. Jude Children's Research Hospital
Classification: Uncertain significance for Predisposition to cancer. Last evaluated: 2024-06-04. Review status: criteria provided, single submitter. Criteria: St. Jude Assertion Criteria 2020. Collection method: clinical testing. Allele origin: germline.
Comment: The CHEK2 c.1037G>A (p.Arg346His) missense change has a maximum subpopulation frequency of 0.002% in gnomAD v2.1.1. The in silico tool REVEL predicts a deleterious effect on protein function, and functional studies support a deleterious impact (PMID: 30851065, 31050813, 34903604). This variant has been observed in individuals with breast cancer (PMID: 21244692, 26822949, 31050813). In summary, the evidence currently available is insufficient to determine the clinical significance of this variant. It has therefore been classified as of uncertain significance.

Myriad Genetics, Inc.
Classification: Likely pathogenic for Familial cancer of breast. Last evaluated: 2024-03-21. Review status: criteria provided, single submitter. Criteria: Myriad Autosomal Dominant, Autosomal Recessive and X-Linked Classification Criteria (2023). Collection method: clinical testing. Allele origin: unknown.
Comment: This variant is considered likely pathogenic. Functional studies indicate this variant impacts protein function [PMID: 37449874, 34903604, 31050813]. This variant is expected to disrupt protein structure [PMID: 16794575].

Department of Pathology and Laboratory Medicine, Sinai Health System
Classification: Likely pathogenic for hereditary nonpolyposis colon cancer. Last evaluated: 2024-03-07. Review status: criteria provided, single submitter. Criteria: ACMG Guidelines, 2015. Collection method: clinical testing. Allele origin: germline. Affected: no.

Women's Health and Genetics/Laboratory Corporation of America, LabCorp
Classification: Uncertain significance. Last evaluated: 2023-12-18. Review status: criteria provided, single submitter. Criteria: LabCorp Variant Classification Summary - May 2015. Collection method: clinical testing. Allele origin: germline.
Comment: Variant summary: CHEK2 c.1037G>A (p.Arg346His) results in a non-conservative amino acid change located in the Protein kinase domain (IPR000719); Serine/threonine-protein kinase, active site (IPR008271) of the encoded protein sequence. Five of five in-silico tools predict a damaging effect of the variant on protein function. The variant allele was found at a frequency of 7.7e-06 in 260390 control chromosomes (gnomAD, publications). c.1037G>A has been reported in the literature in individuals affected with Breast And Ovarian Cancer or Bilary tract cancer (examples: Okawa_2023, deOliveira_2021, Dorling_2021, Kleiblova_2019, Lhota_2016, Le Calvez-Kelm_2011), but the variant was also transmitted to unaffected individuals within a family, albeit the age of the unaffected individuals with the variant was early 40s (Kleiblova_2019). These data indicate that the variant may be associated with disease. At least two publications report experimental evidence evaluating an impact on protein function: in vitro assays showed the variant protein had reduced ability to phosphorylate target substrate (Kleiblova_2019), and a functional yeast assay using a DNA repair deficient yeast strain showed the variant protein was incapable of rescuing cell growth and proliferation following MMS induced DNA damage (Delimitsou_2019). The most pronounced variant effect results in <10% of normal activity. The following publications have been ascertained in the context of this evaluation (PMID: 30851065, 33471991, 31050813, 21244692, 26822949, 36243179, 35534704). Seven submitters have cited clinical-significance assessments for this variant to ClinVar after 2014 and classified the variant as VUS (n=6) or likely pathogenic (n=1). Based on the evidence outlined above, the variant was classified as VUS-possibly pathogenic.

Baylor Genetics
Classification: Uncertain significance for Familial cancer of breast. Last evaluated: 2023-08-05. Review status: criteria provided, single submitter. Criteria: ACMG Guidelines, 2015. Collection method: clinical testing. Allele origin: unknown.

Quest Diagnostics Nichols Institute San Juan Capistrano
Classification: Uncertain significance. Last evaluated: 2022-08-30. Review status: criteria provided, single submitter. Criteria: Quest Diagnostics criteria. Collection method: clinical testing. Allele origin: unknown.
Comment: The frequency of this variant in the general population, 0.000023 (3/129024 chromosomes), is uninformative in assessment of its pathogenicity. In the published literature, the variant has been reported in individuals with breast cancer (PMID: 21244692 (2011), 31050813 (2019)) and in breast cancer cases and controls in a large-scale breast cancer association study (PMID: 33471991 (2021), see also LOVD). In addition, this variant was demonstrated to have a damaging effect on CHEK2 protein function in functional analyses (PMID: 30851065 (2019) and 34903604 (2021)). Analysis of this variant using bioinformatics tools for the prediction of the effect of amino acid changes on protein structure and function yielded predictions that this variant is damaging. Based on the available information, we are unable to determine the clinical significance of this variant.

Sema4
Classification: Uncertain significance for Hereditary cancer-predisposing syndrome. Last evaluated: 2021-12-09. Review status: criteria provided, single submitter. Criteria: Sema4 Curation Guidelines. Collection method: curation. Allele origin: germline.
Comment: The CHEK2 c.1037G>A (p.R346H) variant has been reported in heterozygosity in at least 2 individuals with breast and/or ovarian cancer (PMID: 31050813, 21244692 ). It has been reported in a large case-control study of breast cancer in 6/60466 cases and 2/53461 controls (PMID: 33471991). Functional studies have shown deleterious effect of variant using Omnia kinase in vitro assay (PMID: 31050813). This variant was observed in 3/129024=0.002% chromosomes in the Non-Finnish European (NFE) population according to the Genome Aggregation Database (PMID: 32461654). This variant has been reported in ClinVar (Variation ID: 182431). In silico tools suggest the impact of the variant on protein function is deleterious, though these predictions have not been confirmed by functional studies. The evidence is insufficient to meet ACMG/AMP criteria for classifying the variant as benign or pathogenic. Thus, the clinical significance of this variant is currently uncertain.

Counsyl
Classification: Uncertain significance for Familial cancer of breast. Last evaluated: 2017-06-27. Review status: no assertion criteria provided. Collection method: clinical testing. Allele origin: unknown. Not counted in ClinVar's aggregate classification.

Literature cited by the submitters: PubMed 21244692 (cited by 8 submitters); PubMed 26424751 (cited by Ambry Genetics); PubMed 26787654 (cited by Ambry Genetics); PubMed 29522266 (cited by 3 submitters); PubMed 30851065 (cited by 6 submitters); PubMed 31206626 (cited by Ambry Genetics); PubMed 33471991 (cited by 5 submitters); PubMed 34903604 (cited by 5 submitters); PubMed 37449874 (cited by 4 submitters); PubMed 26822949 (cited by 4 submitters); PubMed 31050813 (cited by 7 submitters); PubMed 34326862 (cited by Labcorp Genetics (formerly Invitae), Labcorp); PubMed 35534704 (cited by Labcorp Genetics (formerly Invitae), Labcorp and Women's Health and Genetics/Laboratory Corporation of America, LabCorp); PubMed 31214711 (cited by Color Diagnostics, LLC DBA Color Health); PubMed 16794575 (cited by Myriad Genetics, Inc.); PubMed 36243179 (cited by Women's Health and Genetics/Laboratory Corporation of America, LabCorp).